The following is an entry in ClinVar:

NM_002439.5(MSH3):c.1366G>C (p.Glu456Gln)

Gene: MSH3 (mutS homolog 3; plus strand). Cytogenetic location: 5q14.1.
Variant type: single nucleotide variant.
Coding change: c.1366G>C on transcript NM_002439.5 (MANE Select); coding-DNA position 1366, G replaced by C.
Protein change: p.Glu456Gln; replaces glutamic acid 456 with glutamine.
Molecular consequence: missense variant.
Genome position (GRCh38, 1-based): chr5:80,725,478, G>C. VCF-style: chr5-80725478-G-C. GRCh37 (hg19) VCF-style: chr5-80021297-G-C.
Other names: c.1366G>C (NM_002439.3); short protein forms E456Q.
Identifiers: ClinVar variation 2963155 (VCV002963155.4), dbSNP rs963234468, ClinGen allele CA360273391.

ClinVar aggregate classification (germline): Uncertain significance. Review status: criteria provided, multiple submitters, no conflicts (2 of 4 stars). 2 submissions from 2 submitters: Uncertain significance (2). Last evaluated 2025-05-03.

Conditions:
Hereditary cancer-predisposing syndrome. Also called: Tumor predisposition; Hereditary neoplastic syndrome; Hereditary Cancer Syndrome; Neoplastic Syndromes, Hereditary. Identifiers: Orphanet 140162, MedGen C0027672, MeSH D009386, MONDO:0015356.

gnomAD v4.1: 1 of 1,613,454 alleles (0.000062%); highest among the groups gnomAD compares: Non-Finnish European, 0.000085%; no homozygotes.

Submissions (2):

Ambry Genetics
Classification: Uncertain significance for Hereditary cancer-predisposing syndrome. Last evaluated: 2025-05-03. Review status: criteria provided, single submitter. Criteria: Ambry Variant Classification Scheme 2023. Collection method: clinical testing. Allele origin: germline.
Comment: The p.E456Q variant (also known as c.1366G>C), located in coding exon 9 of the MSH3 gene, results from a G to C substitution at nucleotide position 1366. The glutamic acid at codon 456 is replaced by glutamine, an amino acid with highly similar properties. This alteration was detected in a cohort of 224 unrelated Brazilian individuals with breast cancer (Sandoval RL et al. PLoS One, 2021 Mar;16:e0247363). This amino acid position is highly conserved in available vertebrate species. In addition, the in silico prediction for this alteration is inconclusive. Based on the available evidence, the clinical significance of this variant remains unclear.

Labcorp Genetics (formerly Invitae), Labcorp
Classification: Uncertain significance. Last evaluated: 2023-11-24. Review status: criteria provided, single submitter. Criteria: Invitae Variant Classification Sherloc (09022015). Collection method: clinical testing. Allele origin: germline.
Comment: This sequence change replaces glutamic acid, which is acidic and polar, with glutamine, which is neutral and polar, at codon 456 of the MSH3 protein (p.Glu456Gln). This variant is present in population databases (no rsID available, gnomAD 0.007%). This variant has not been reported in the literature in individuals affected with MSH3-related conditions. An algorithm developed to predict the effect of missense changes on protein structure and function (PolyPhen-2) suggests that this variant is likely to be disruptive. In summary, the available evidence is currently insufficient to determine the role of this variant in disease. Therefore, it has been classified as a Variant of Uncertain Significance.

Literature cited by the submitters: PubMed 33606809 (cited by Ambry Genetics).